The following is an entry in ClinVar:

ClinVar aggregate classification (germline): Conflicting classifications of pathogenicity. Review status: criteria provided, conflicting classifications (1 of 4 stars). 3 submissions from 1 submitter: Pathogenic (2); Uncertain significance (1). Last evaluated 2022-07-06.

Conditions:
Joubert syndrome. Also called: JOUBERT-BOLTSHAUSER SYNDROME; Familial aplasia of the vermis. Identifiers: Orphanet 475, MedGen C5979921, MONDO:0018772.
Autosomal dominant nocturnal frontal lobe epilepsy 5. Also called: CILIARY DYSKINESIA, PRIMARY, 28, WITHOUT SITUS INVERSUS; CILIARY DYSKINESIA, PRIMARY, 28, WITH SITUS INVERSUS; Epilepsy, nocturnal frontal lobe, 5; KCNT1-Related Epilepsy. Identifiers: Orphanet 98784, MedGen C3554306, MONDO:0014002, OMIM 615005.
Developmental and epileptic encephalopathy, 14 (DEE14). Also called: Early infantile epileptic encephalopathy 14. Identifiers: Orphanet 293181, MedGen C3554195, MONDO:0013989, OMIM 614959.
Adams-Oliver syndrome 5 (AOS5). Identifiers: Orphanet 974, MedGen C4014970, MONDO:0014459, OMIM 616028.

Submissions (3):

Labcorp Genetics (formerly Invitae), Labcorp
Classification: Uncertain significance for Autosomal dominant nocturnal frontal lobe epilepsy 5; Developmental and epileptic encephalopathy, 14. Last evaluated: 2022-07-06. Review status: criteria provided, single submitter. Criteria: Invitae Variant Classification Sherloc (09022015). Collection method: clinical testing. Allele origin: germline.
Comment: A gross deletion of the genomic region encompassing the full coding sequence of the KCNT1 gene has been identified. The current clinical and genetic evidence is not sufficient to establish whether loss-of-function variants in KCNT1 cause disease. The boundaries of this event are unknown as they extend beyond the assayed region for this gene and therefore may encompass additional genes. This variant has not been reported in the literature in individuals affected with KCNT1-related conditions. In summary, the available evidence is currently insufficient to determine the role of this variant in disease. Therefore, it has been classified as a Variant of Uncertain Significance.

Labcorp Genetics (formerly Invitae), Labcorp
Classification: Pathogenic for Adams-Oliver syndrome 5. Last evaluated: 2022-07-06. Review status: criteria provided, single submitter. Criteria: Invitae Variant Classification Sherloc (09022015). Collection method: clinical testing. Allele origin: germline.
Comment: A gross deletion of the genomic region encompassing the full coding sequence of the NOTCH1 gene has been identified. Loss-of-function variants in NOTCH1 are known to be pathogenic (PMID: 16025100, 21457232, 25132448, 25963545). The boundaries of this event are unknown as they extend beyond the assayed region for this gene and therefore may encompass additional genes. Isolated whole-gene deletions of NOTCH1 have not been reported in the literature. However, larger copy number events that include this gene have been reported (PMID: 19597493, 22318994, 25516202, 26820064). For these reasons, this variant has been classified as Pathogenic.

Labcorp Genetics (formerly Invitae), Labcorp
Classification: Pathogenic for Joubert syndrome. Last evaluated: 2022-07-06. Review status: criteria provided, single submitter. Criteria: Invitae Variant Classification Sherloc (09022015). Collection method: clinical testing. Allele origin: germline.
Comment: A gross deletion of the genomic region encompassing the full coding sequence of the INPP5E gene has been identified. Loss-of-function variants in INPP5E are known to be pathogenic (PMID: 19668216, 23034536, 23386033, 28125082). The boundaries of this event are unknown as they extend beyond the assayed region for this gene and therefore may encompass additional genes. This variant has not been reported in the literature in individuals affected with INPP5E-related conditions. For these reasons, this variant has been classified as Pathogenic.

Literature cited by the submitters: PubMed 16025100; PubMed 21457232; PubMed 25132448; PubMed 25963545; PubMed 19597493; PubMed 22318994; PubMed 25516202; PubMed 26820064; PubMed 19668216; PubMed 23034536; PubMed 23386033; PubMed 28125082.

NC_000009.11:g.(?_138392557)_(141016451_?)del

Genes: CYSRT1 (cysteine rich tail 1; plus strand), MIR126 (microRNA 126; plus strand), MRPL41 (mitochondrial ribosomal protein L41; plus strand), MRPS2 (mitochondrial ribosomal protein S2; plus strand), RNF224 (ring finger protein 224; plus strand) and 82 more. Cytogenetic location: 9q34.3.
Variant type: Deletion.
Identifiers: ClinVar variation 2426327 (VCV002426327.7).